The following is an entry in ClinVar:

ClinVar aggregate classification (germline): Likely pathogenic (1 of 4 stars; one submission).

Allele frequency attached by ClinVar (database versions not stated): gnomAD exomes below 0.00001; TOPMed below 0.00001.
gnomAD v4.1: 7 of 1,614,156 alleles (0.00043%); highest among the groups gnomAD compares: South Asian, 0.0077%; no homozygotes.

Submission:

Mayo Clinic Laboratories, Mayo Clinic
Classification: Likely pathogenic. Last evaluated: 2020-10-15. Review status: criteria provided, single submitter. Criteria: ACMG Guidelines, 2015. Collection method: clinical testing. Allele origin: germline. Observed: 1 variant allele.
Comment: PVS1, PM2

NM_001199563.2(POPDC1):c.427A>T (p.Arg143Ter)

Gene: POPDC1 (popeye domain cAMP effector 1; minus strand). Cytogenetic location: 6q21.
Variant type: single nucleotide variant.
Coding change: c.427A>T on transcript NM_001199563.2 (MANE Select); coding-DNA position 427, A replaced by T.
Protein change: p.Arg143Ter; replaces arginine 143 with a stop codon.
Molecular consequence: nonsense.
Genome position (GRCh38, 1-based): chr6:105,125,503, T>A on the plus strand (A>T on the coding strand, the complement: POPDC1 is on the minus strand). VCF-style: chr6-105125503-T-A. GRCh37 (hg19) VCF-style: chr6-105573378-T-A.
Other names: c.427A>T, p.Arg143Ter (NM_007073.4, NM_147147.4); short protein forms R143*.
Identifiers: ClinVar variation 1163853 (VCV001163853.5), dbSNP rs1773614673, ClinGen allele CA365318061.